The following is an entry in ClinVar:

NM_021930.6(RINT1):c.358T>A (p.Phe120Ile)

Gene: RINT1 (RAD50 interactor 1; plus strand). Cytogenetic location: 7q22.3.
Variant type: single nucleotide variant.
Coding change: c.358T>A on transcript NM_021930.6 (MANE Select); coding-DNA position 358, T replaced by A.
Protein change: p.Phe120Ile; replaces phenylalanine 120 with isoleucine.
Molecular consequence: missense variant. On other transcripts: 5 prime UTR variant (3), non-coding transcript variant (1).
Genome position (GRCh38, 1-based): chr7:105,542,492, T>A. VCF-style: chr7-105542492-T-A. GRCh37 (hg19) VCF-style: chr7-105182939-T-A.
Other names: c.124T>A, p.Phe42Ile (NM_001346599.2); c.-662T>A (NM_001346600.2); c.-565T>A (NM_001346601.2); c.-185T>A (NM_001346603.2); short protein forms F120I, F42I.
Identifiers: ClinVar variation 5028250 (VCV005028250.1).

ClinVar aggregate classification (germline): Uncertain significance (1 of 4 stars; one submission).

Submission:

Ambry Genetics
Classification: Uncertain significance. Last evaluated: 2026-09-07. Review status: criteria provided, single submitter. Criteria: Ambry Variant Classification Scheme 2023. Collection method: clinical testing. Allele origin: germline.
Comment: The p.F120I variant (also known as c.358T>A), located in coding exon 4 of the RINT1 gene, results from a T to A substitution at nucleotide position 358. The phenylalanine at codon 120 is replaced by isoleucine, an amino acid with highly similar properties. This amino acid position is conserved. In addition, this alteration is predicted to be tolerated by in silico analysis. Based on the available evidence, the clinical significance of this variant remains unclear.